The following is an entry in ClinVar:

NM_153240.5(NPHP3):c.2712_2719dup (p.Tyr907delinsCysTer)

Genes: NPHP3-ACAD11 (NPHP3-ACAD11 readthrough (NMD candidate); minus strand), NPHP3 (nephrocystin 3; minus strand). Cytogenetic location: 3q22.1.
Variant type: Microsatellite.
Coding change: c.2712_2719dup on transcript NM_153240.5 (MANE Select); coding-DNA positions 2712 to 2719, 8 bases duplicated (GCTGAGTT; older notation c.2712_2719dupGCTGAGTT).
Protein change: p.Tyr907delinsCysTer.
Molecular consequence: nonsense. On other transcripts: non-coding transcript variant (1).
Genome position (GRCh38, 1-based): chr3:132,689,238-132,689,245, AACTCAGC duplicated on the plus strand (GCTGAGTT on the coding strand, the reverse complement: NPHP3 is on the minus strand); duplicating any 8 consecutive bases within chr3:132,689,238-132,689,255 gives the same sequence; the c. name uses the placement nearest the transcript's 3' end. VCF-style (leftmost placement, unchanged base first): chr3-132689237-T-TAACTCAGC. GRCh37 (hg19) VCF-style: chr3-132408081-T-TAACTCAGC.
Identifiers: ClinVar variation 3066043 (VCV003066043.1), dbSNP rs1939239442, ClinGen allele CA2740097797.
Genomic context (GRCh38, chr3:132,689,237, plus strand): 5'-TTCAATGAATCGAAGTATTCTGTTGCCATTGCACTTTTGTCTTTGCCAACAAACTGCCAA[T>TAACTCAGC]AACTCAGCAACTCAGCAAAGTGTCCCCTGTTTCAACAAATAACAGTACTTTAATGAAAAA-3'

ClinVar aggregate classification (germline): Likely pathogenic (1 of 4 stars; one submission).

Conditions:
Renal-hepatic-pancreatic dysplasia (RHPD). Identifiers: Orphanet 294415, MedGen C2673883, MONDO:0017417.

Submission:

Pediatrics, Sichuan Provincial Hospital For Women And Children
Classification: Likely pathogenic for Renal-hepatic-pancreatic dysplasia. Last evaluated: 2022-03-02. Review status: criteria provided, single submitter. Criteria: ACMG Guidelines, 2015. Collection method: provider interpretation. Allele origin: maternal. Inheritance: Autosomal recessive inheritance. Affected: yes. Observed: 1 compound heterozygote.
Comment: PVS1+PM2